The following is an entry in ClinVar:

ClinVar aggregate classification (germline): Conflicting classifications of pathogenicity. Review status: criteria provided, conflicting classifications (1 of 4 stars). 4 submissions from 4 submitters: Uncertain significance (3); Likely benign (1). Last evaluated 2025-09-26.

Conditions:
Cardiovascular phenotype. Identifiers: MedGen CN230736.
Familial hypobetalipoproteinemia 1. Also called: Hypobetalipoproteinemia, normotriglyceridemic; Acanthocytosis with hypobetalipoproteinemia; APOB-Related Familial Hypobetalipoproteinemia. Identifiers: MedGen C4551990, MONDO:0014252, OMIM 615558.
Hypercholesterolemia, autosomal dominant, type B (FHCL2). Also called: Familial Hypercholesterolemia Type B; HYPERCHOLESTEROLEMIA, FAMILIAL, DUE TO LIGAND-DEFECTIVE APOLIPOPROTEIN B; Familial hypercholesterolemia 2; APOB-Related Familial Hypercholesterolemia, Autosomal Dominant; APOLIPOPROTEIN B-100, FAMILIAL DEFECTIVE; APOLIPOPROTEIN B-100, FAMILIAL LIGAND-DEFECTIVE. Identifiers: MedGen C1704417, MONDO:0007751, OMIM 144010.

Allele frequency attached by ClinVar (database versions not stated): ExAC 0.00001; gnomAD 0.00001; gnomAD exomes 0.00001.

Submissions (4):

Mayo Clinic Laboratories, Mayo Clinic
Classification: Uncertain significance. Last evaluated: 2025-09-26. Review status: criteria provided, single submitter. Criteria: ACMG Guidelines, 2015. Collection method: clinical testing. Allele origin: germline. Observed: 1 variant allele.
Comment: BP4, PM2_supporting

Labcorp Genetics (formerly Invitae), Labcorp
Classification: Likely benign for Familial hypobetalipoproteinemia 1; Hypercholesterolemia, autosomal dominant, type B. Last evaluated: 2025-05-19. Review status: criteria provided, single submitter. Criteria: Invitae Variant Classification Sherloc (09022015). Collection method: clinical testing. Allele origin: germline.

Ambry Genetics
Classification: Uncertain significance for Cardiovascular phenotype. Last evaluated: 2024-12-28. Review status: criteria provided, single submitter. Criteria: Ambry Variant Classification Scheme 2023. Collection method: clinical testing. Allele origin: germline.
Comment: The p.D3231G variant (also known as c.9692A>G), located in coding exon 26 of the APOB gene, results from an A to G substitution at nucleotide position 9692. The aspartic acid at codon 3231 is replaced by glycine, an amino acid with similar properties. This amino acid position is conserved. In addition, this alteration is predicted to be tolerated by in silico analysis. Based on the available evidence, the clinical significance of this variant remains unclear.

Fulgent Genetics
Classification: Uncertain significance for Hypercholesterolemia, autosomal dominant, type B; Familial hypobetalipoproteinemia 1. Last evaluated: 2021-09-07. Review status: criteria provided, single submitter. Criteria: ACMG Guidelines, 2015. Collection method: clinical testing. Allele origin: unknown.

NM_000384.3(APOB):c.9692A>G (p.Asp3231Gly)

Gene: APOB (apolipoprotein B; minus strand). Cytogenetic location: 2p24.1.
Variant type: single nucleotide variant.
Coding change: c.9692A>G on transcript NM_000384.3 (MANE Select); coding-DNA position 9692, A replaced by G.
Protein change: p.Asp3231Gly; replaces aspartic acid 3231 with glycine.
Molecular consequence: missense variant.
Genome position (GRCh38, 1-based): chr2:21,007,176, T>C on the plus strand (A>G on the coding strand, the complement: APOB is on the minus strand). VCF-style: chr2-21007176-T-C. GRCh37 (hg19) VCF-style: chr2-21230048-T-C.
Other names: p.Asp3231Gly; short protein forms D3231G.
Identifiers: ClinVar variation 925138 (VCV000925138.11), dbSNP rs778780703, ClinGen allele CA066767.